The following is an entry in ClinVar:

NM_001429.4(EP300):c.6579G>C (p.Gln2193His)

Gene: EP300 (EP300 lysine acetyltransferase; plus strand). Cytogenetic location: 22q13.2.
Variant type: single nucleotide variant.
Coding change: c.6579G>C on transcript NM_001429.4 (MANE Select); coding-DNA position 6579, G replaced by C.
Protein change: p.Gln2193His; replaces glutamine 2193 with histidine.
Molecular consequence: missense variant.
Genome position (GRCh38, 1-based): chr22:41,178,290, G>C. VCF-style: chr22-41178290-G-C. GRCh37 (hg19) VCF-style: chr22-41574294-G-C.
Other names: c.6501G>C, p.Gln2167His (NM_001362843.2); short protein forms Q2167H, Q2193H.
Identifiers: ClinVar variation 3605912 (VCV003605912.2).

ClinVar aggregate classification (germline): Uncertain significance (1 of 4 stars; one submission).

Conditions:
Rubinstein-Taybi syndrome due to EP300 haploinsufficiency. Also called: EP300-Related Rubinstein-Taybi Syndrome; RUBINSTEIN-TAYBI SYNDROME 2. Identifiers: Orphanet 353284, Orphanet 783, MedGen C3150941, MONDO:0013364, OMIM 613684.

gnomAD v4.1: 9 of 1,614,038 alleles (0.00056%); highest among the groups gnomAD compares: Non-Finnish European, 0.00076%; no homozygotes.

Submission:

Labcorp Genetics (formerly Invitae), Labcorp
Classification: Uncertain significance for Rubinstein-Taybi syndrome due to EP300 haploinsufficiency. Last evaluated: 2025-01-23. Review status: criteria provided, single submitter. Criteria: Invitae Variant Classification Sherloc (09022015). Collection method: clinical testing. Allele origin: germline.
Comment: This sequence change replaces glutamine, which is neutral and polar, with histidine, which is basic and polar, at codon 2193 of the EP300 protein (p.Gln2193His). This variant is not present in population databases (gnomAD no frequency). This variant has not been reported in the literature in individuals affected with EP300-related conditions. Invitae Evidence Modeling of protein sequence and biophysical properties (such as structural, functional, and spatial information, amino acid conservation, physicochemical variation, residue mobility, and thermodynamic stability) indicates that this missense variant is not expected to disrupt EP300 protein function with a negative predictive value of 80%. In summary, the available evidence is currently insufficient to determine the role of this variant in disease. Therefore, it has been classified as a Variant of Uncertain Significance.